The following is an entry in ClinVar:

NM_138295.5(PKD1L1):c.7545C>T (p.Ser2515=)

Genes: PKD1L1 (polycystin 1 like 1, transient receptor potential channel interacting; minus strand), PKD1L1-AS1 (PKD1L1 antisense RNA 1; plus strand). Cytogenetic location: 7p12.3.
Variant type: single nucleotide variant.
Coding change: c.7545C>T on transcript NM_138295.5 (MANE Select); coding-DNA position 7545, C replaced by T.
Protein change: p.Ser2515=; no amino-acid change (serine 2515 retained).
Molecular consequence: synonymous variant.
Genome position (GRCh38, 1-based): chr7:47,811,853, G>A on the plus strand (C>T on the coding strand, the complement: PKD1L1 is on the minus strand). VCF-style: chr7-47811853-G-A. GRCh37 (hg19) VCF-style: chr7-47851451-G-A.
Other names: c.7545C>T (NM_138295.3).
Identifiers: ClinVar variation 4750812 (VCV004750812.2).

ClinVar aggregate classification (germline): Likely benign. Review status: criteria provided, multiple submitters, no conflicts (2 of 4 stars). 2 submissions from 2 submitters: Likely benign (2). Last evaluated 2025-09-12.

Conditions:
PKD1L1-related disorder. Also called: PKD1L1-related condition.

gnomAD v4.1: 20 of 1,609,470 alleles (0.0012%); highest among the groups gnomAD compares: Admixed American, 0.01%; no homozygotes.

Submissions (2):

Labcorp Genetics (formerly Invitae), Labcorp
Classification: Likely benign. Last evaluated: 2025-09-12. Review status: criteria provided, single submitter. Criteria: Invitae Variant Classification Sherloc (09022015). Collection method: clinical testing. Allele origin: germline.

PreventionGenetics, part of Exact Sciences
Classification: Likely benign for PKD1L1-related condition. Last evaluated: 2024-11-20. Review status: criteria provided, single submitter. Criteria: ACMG Guidelines, 2015. Collection method: clinical testing. Allele origin: germline.
Comment: This variant is classified as likely benign based on ACMG/AMP sequence variant interpretation guidelines (Richards et al. 2015 PMID: 25741868, with internal and published modifications).